The following is an entry in ClinVar:

ClinVar aggregate classification (germline): Uncertain significance (1 of 4 stars; one submission).

Conditions:
Congenital disorder of glycosylation, type Ii. Also called: ALG2-congenital disorder of glycosylation; ALG2-CDG; CDG Ii. Identifiers: Orphanet 79326, MedGen C1842836, MONDO:0011933, OMIM 607906.
Congenital myasthenic syndrome 14. Also called: Myasthenic syndrome, congenital, 14, with tubular aggregates. Identifiers: Orphanet 353327, Orphanet 590, MedGen C4015597, MONDO:0014543, OMIM 616228.

gnomAD v4.1: 2 of 1,588,790 alleles (0.00013%); highest among the groups gnomAD compares: African/African-American, 0.0013%; no homozygotes.

Submission:

Labcorp Genetics (formerly Invitae), Labcorp
Classification: Uncertain significance for Congenital disorder of glycosylation, type Ii; Congenital myasthenic syndrome 14. Last evaluated: 2022-09-27. Review status: criteria provided, single submitter. Criteria: Invitae Variant Classification Sherloc (09022015). Collection method: clinical testing. Allele origin: germline.
Comment: This sequence change replaces glycine, which is neutral and non-polar, with valine, which is neutral and non-polar, at codon 6 of the ALG2 protein (p.Gly6Val). This variant is not present in population databases (gnomAD no frequency). This variant has not been reported in the literature in individuals affected with ALG2-related conditions. ClinVar contains an entry for this variant (Variation ID: 1349332). Algorithms developed to predict the effect of missense changes on protein structure and function (SIFT, PolyPhen-2, Align-GVGD) all suggest that this variant is likely to be tolerated. Algorithms developed to predict the effect of sequence changes on RNA splicing suggest that this variant may create or strengthen a splice site. In summary, the available evidence is currently insufficient to determine the role of this variant in disease. Therefore, it has been classified as a Variant of Uncertain Significance.

NM_033087.4(ALG2):c.17G>T (p.Gly6Val)

Gene: ALG2 (ALG2 alpha-1,3/1,6-mannosyltransferase; minus strand). Cytogenetic location: 9q22.33.
Variant type: single nucleotide variant.
Coding change: c.17G>T on transcript NM_033087.4 (MANE Select); coding-DNA position 17, G replaced by T.
Protein change: p.Gly6Val; replaces glycine 6 with valine.
Molecular consequence: missense variant. On other transcripts: non-coding transcript variant (1).
Genome position (GRCh38, 1-based): chr9:99,221,878, C>A on the plus strand (G>T on the coding strand, the complement: ALG2 is on the minus strand). VCF-style: chr9-99221878-C-A. GRCh37 (hg19) VCF-style: chr9-101984160-C-A.
Other names: short protein forms G6V.
Identifiers: ClinVar variation 1349332 (VCV001349332.3), dbSNP rs180849348, ClinGen allele CA374233126.